The following is an entry in ClinVar:

ClinVar aggregate classification (germline): Conflicting classifications of pathogenicity. Review status: criteria provided, conflicting classifications (1 of 4 stars). 2 submissions from 2 submitters: Pathogenic (1); Uncertain significance (1). Last evaluated 2024-11-27.

Conditions:
Primary ciliary dyskinesia 25 (CILD25). Also called: CILIARY DYSKINESIA, PRIMARY, 25, WITH OR WITHOUT SITUS INVERSUS. Identifiers: Orphanet 244, MedGen C3809641, MONDO:0014203, OMIM 615482.

Allele frequency attached by ClinVar (database versions not stated): gnomAD exomes below 0.00001.
gnomAD v4.1: 3 of 1,613,768 alleles (0.00019%); highest among the groups gnomAD compares: Non-Finnish European, 0.00025%; no homozygotes.

Submissions (2):

Labcorp Genetics (formerly Invitae), Labcorp
Classification: Pathogenic. Last evaluated: 2024-11-27. Review status: criteria provided, single submitter. Criteria: Invitae Variant Classification Sherloc (09022015). Collection method: clinical testing. Allele origin: germline.
Comment: This sequence change replaces leucine, which is neutral and non-polar, with glutamine, which is neutral and polar, at codon 19 of the DNAAF4 protein (p.Leu19Gln). This variant is present in population databases (no rsID available, gnomAD 0.0009%). This missense change has been observed in individual(s) with primary ciliary dyskinesia (internal data). In at least one individual the data is consistent with being in trans (on the opposite chromosome) from a pathogenic variant. ClinVar contains an entry for this variant (Variation ID: 525327). Invitae Evidence Modeling of protein sequence and biophysical properties (such as structural, functional, and spatial information, amino acid conservation, physicochemical variation, residue mobility, and thermodynamic stability) indicates that this missense variant is expected to disrupt DNAAF4 protein function with a positive predictive value of 80%. For these reasons, this variant has been classified as Pathogenic.

Department of Pathology and Laboratory Medicine, Sinai Health System
Classification: Uncertain significance for primary ciliary dyskinesia 25. Last evaluated: 2021-12-10. Review status: criteria provided, single submitter. Criteria: ACMG Guidelines, 2015. Collection method: research. Allele origin: germline.

NM_130810.4(DNAAF4):c.56T>A (p.Leu19Gln)

Genes: DNAAF4-CCPG1 (DNAAF4-CCPG1 readthrough (NMD candidate); minus strand), DNAAF4 (dynein axonemal assembly factor 4; minus strand). Cytogenetic location: 15q21.3.
Variant type: single nucleotide variant.
Coding change: c.56T>A on transcript NM_130810.4 (MANE Select); coding-DNA position 56, T replaced by A.
Protein change: p.Leu19Gln; replaces leucine 19 with glutamine.
Molecular consequence: missense variant. On other transcripts: non-coding transcript variant (1).
Genome position (GRCh38, 1-based): chr15:55,498,274, A>T on the plus strand (T>A on the coding strand, the complement: DNAAF4 is on the minus strand). VCF-style: chr15-55498274-A-T. GRCh37 (hg19) VCF-style: chr15-55790472-A-T.
Other names: c.56T>A, p.Leu19Gln (NM_001033559.3, NM_001033560.2); short protein forms L19Q.
Identifiers: ClinVar variation 525327 (VCV000525327.9), dbSNP rs1200826286, ClinGen allele CA392553864.